The following is an entry in ClinVar:

NM_031935.3(HMCN1):c.9404T>C (p.Val3135Ala)

Gene: HMCN1 (hemicentin 1; plus strand). Cytogenetic location: 1q31.1.
Variant type: single nucleotide variant.
Coding change: c.9404T>C on transcript NM_031935.3 (MANE Select); coding-DNA position 9404, T replaced by C.
Protein change: p.Val3135Ala; replaces valine 3135 with alanine.
Molecular consequence: missense variant.
Genome position (GRCh38, 1-based): chr1:186,087,972, T>C. VCF-style: chr1-186087972-T-C. GRCh37 (hg19) VCF-style: chr1-186057104-T-C.
Other names: short protein forms V3135A.
Identifiers: ClinVar variation 1945718 (VCV001945718.5), dbSNP rs1339731184, ClinGen allele CA343920850.

ClinVar aggregate classification (germline): Uncertain significance (1 of 4 stars; one submission).

Allele frequency attached by ClinVar (database versions not stated): TOPMed 0.00001; gnomAD 0.00003.
gnomAD v4.1: 4 of 1,613,048 alleles (0.00025%); highest among the groups gnomAD compares: African/African-American, 0.0053%; no homozygotes.

Submission:

Labcorp Genetics (formerly Invitae), Labcorp
Classification: Uncertain significance. Last evaluated: 2022-08-31. Review status: criteria provided, single submitter. Criteria: Invitae Variant Classification Sherloc (09022015). Collection method: clinical testing. Allele origin: germline.
Comment: This variant is not present in population databases (gnomAD no frequency). This sequence change replaces valine, which is neutral and non-polar, with alanine, which is neutral and non-polar, at codon 3135 of the HMCN1 protein (p.Val3135Ala). In summary, the available evidence is currently insufficient to determine the role of this variant in disease. Therefore, it has been classified as a Variant of Uncertain Significance. Algorithms developed to predict the effect of missense changes on protein structure and function (SIFT, PolyPhen-2, Align-GVGD) all suggest that this variant is likely to be disruptive. This variant has not been reported in the literature in individuals affected with HMCN1-related conditions.